The following is an entry in ClinVar:

ClinVar aggregate classification (germline): Uncertain significance (1 of 4 stars; one submission).

Conditions:
Pierson syndrome. Also called: MICROCORIA-CONGENITAL NEPHROTIC SYNDROME. Identifiers: Orphanet 2670, MedGen C1836876, MONDO:0012184, OMIM 609049.
LAMB2-related infantile-onset nephrotic syndrome. Also called: NEPHROTIC SYNDROME, TYPE 5, WITHOUT OCULAR ABNORMALITIES; NEPHROTIC SYNDROME, TYPE 5, WITH OCULAR ABNORMALITIES; Nephrotic Syndrome, type 5. Identifiers: Orphanet 306507, MedGen C3280113, MONDO:0013621, OMIM 614199.

Allele frequency attached by ClinVar (database versions not stated): ExAC 0.00001; gnomAD exomes 0.00001.
gnomAD v4.1: 4 of 1,614,044 alleles (0.00025%); highest among the groups gnomAD compares: Admixed American, 0.0017%; no homozygotes.

Submission:

Labcorp Genetics (formerly Invitae), Labcorp
Classification: Uncertain significance for LAMB2-related infantile-onset nephrotic syndrome; Pierson syndrome. Last evaluated: 2022-11-01. Review status: criteria provided, single submitter. Criteria: Invitae Variant Classification Sherloc (09022015). Collection method: clinical testing. Allele origin: germline.
Comment: In summary, the available evidence is currently insufficient to determine the role of this variant in disease. Therefore, it has been classified as a Variant of Uncertain Significance. Algorithms developed to predict the effect of missense changes on protein structure and function are either unavailable or do not agree on the potential impact of this missense change (SIFT: "Deleterious"; PolyPhen-2: "Probably Damaging"; Align-GVGD: "Class C15"). ClinVar contains an entry for this variant (Variation ID: 1516280). This variant has not been reported in the literature in individuals affected with LAMB2-related conditions. This variant is present in population databases (rs770943083, gnomAD 0.003%). This sequence change replaces phenylalanine, which is neutral and non-polar, with leucine, which is neutral and non-polar, at codon 871 of the LAMB2 protein (p.Phe871Leu).

NM_002292.4(LAMB2):c.2611T>C (p.Phe871Leu)

Genes: LAMB2 (laminin subunit beta 2; minus strand), LOC129936738 (ATAC-STARR-seq lymphoblastoid active region 19855; plus strand). Cytogenetic location: 3p21.31.
Variant type: single nucleotide variant.
Coding change: c.2611T>C on transcript NM_002292.4 (MANE Select); coding-DNA position 2611, T replaced by C.
Protein change: p.Phe871Leu; replaces phenylalanine 871 with leucine.
Molecular consequence: missense variant.
Genome position (GRCh38, 1-based): chr3:49,125,362, A>G on the plus strand (T>C on the coding strand, the complement: LAMB2 is on the minus strand). VCF-style: chr3-49125362-A-G. GRCh37 (hg19) VCF-style: chr3-49162795-A-G.
Other names: short protein forms F871L.
Identifiers: ClinVar variation 1516280 (VCV001516280.8), dbSNP rs770943083, ClinGen allele CA2394267.